The following is an entry in ClinVar:

ClinVar aggregate classification (germline): Uncertain significance (1 of 4 stars; one submission).

Submission:

Labcorp Genetics (formerly Invitae), Labcorp
Classification: Uncertain significance. Last evaluated: 2026-01-12. Review status: criteria provided, single submitter. Criteria: Invitae Variant Classification Sherloc (09022015). Collection method: clinical testing. Allele origin: germline.
Comment: This sequence change replaces glycine, which is neutral and non-polar, with arginine, which is basic and polar, at codon 13 of the LSR protein (p.Gly13Arg). This variant is not present in population databases (gnomAD no frequency). This variant has not been reported in the literature in individuals affected with LSR-related conditions. ClinVar contains an entry for this variant (Variation ID: 3687718). An algorithm developed to predict the effect of missense changes on protein structure and function (PolyPhen-2) suggests that this variant is likely to be disruptive. In summary, the available evidence is currently insufficient to determine the role of this variant in disease. Therefore, it has been classified as a Variant of Uncertain Significance.

NC_000019.10:g.35248915G>C

Gene: LSR (lipolysis stimulated lipoprotein receptor; plus strand). Cytogenetic location: 19q13.12.
Variant type: single nucleotide variant.
Genome position: GRCh38 VCF-style: chr19-35248915-G-C. GRCh37 (hg19) VCF-style: chr19-35739818-G-C.
Identifiers: ClinVar variation 3687718 (VCV003687718.2).
Genomic context (GRCh38, chr19:35,248,915, plus strand): 5'-TTTACGCTCATTAAAACTTCCAGAATGCAACAGGACGGACTTGGAGTAGGGACAAGGAAC[G>C]GAAGTGGGAAGGGGAGGAGCGTGCACCCCTCCTGGCCTTGGTGCGCGCCGCGCCCCCTAA-3'